The following is an entry in ClinVar:

ClinVar aggregate classification (germline): Uncertain significance. Review status: criteria provided, multiple submitters, no conflicts (2 of 4 stars). 3 submissions from 3 submitters: Uncertain significance (3). Last evaluated 2025-10-13.

Conditions:
Dilated cardiomyopathy 1G (CMD1G). Identifiers: Orphanet 154, MedGen C1858763, MONDO:0011400, OMIM 604145.
Autosomal recessive limb-girdle muscular dystrophy type 2J (LGMDR10). Also called: MUSCULAR DYSTROPHY, LIMB-GIRDLE, AUTOSOMAL RECESSIVE 10; Limb-girdle muscular dystrophy, type 2J. Identifiers: Orphanet 140922, MedGen C1837342, MONDO:0012127, OMIM 608807.

Allele frequency attached by ClinVar (database versions not stated): gnomAD exomes below 0.00001; ExAC 0.00001; TOPMed 0.00002; gnomAD 0.00006.

Submissions (3):

Women's Health and Genetics/Laboratory Corporation of America, LabCorp
Classification: Uncertain significance. Last evaluated: 2025-10-13. Review status: criteria provided, single submitter. Criteria: LabCorp Variant Classification Summary - May 2015. Collection method: clinical testing. Allele origin: germline.
Comment: Variant summary: TTN c.79199A>G (p.His26400Arg) results in a non-conservative amino acid change in the encoded protein sequence. Algorithms developed to predict the effect of missense changes on protein structure and function are either unavailable or do not agree on the potential impact of this missense change. The variant allele was found at a frequency of 4e-06 in 248154 control chromosomes. The available data on variant occurrences in the general population are insufficient to allow any conclusion about variant significance. To our knowledge, no occurrence of c.79199A>G in individuals affected with TTN-related conditions and no experimental evidence demonstrating its impact on protein function have been reported. ClinVar contains an entry for this variant (Variation ID: 202936). Based on the evidence outlined above, the variant was classified as uncertain significance.

Labcorp Genetics (formerly Invitae), Labcorp
Classification: Uncertain significance for Dilated cardiomyopathy 1G; Autosomal recessive limb-girdle muscular dystrophy type 2J. Last evaluated: 2017-12-06. Review status: criteria provided, single submitter. Criteria: Invitae Variant Classification Sherloc (09022015). Collection method: clinical testing. Allele origin: germline.

GeneDx
Classification: Uncertain significance. Last evaluated: 2017-01-19. Review status: criteria provided, single submitter. Criteria: GeneDx Variant Classification (06012015). Collection method: clinical testing. Allele origin: germline. Affected: yes.
Comment: Missense variants in the TTN gene are considered 'unclassified' if they are not previously reported in the literature and do not have >1% frequency in the population to be considered a polymorphism. Research indicates that truncating mutations in the TTN gene are expected to account for approximately 25% of familial and 18% of sporadic idiopathic DCM; however, truncating variants in the TTN gene have been reported in approximately 3% of reported control alleles. There has been little investigation into non-truncating variants. (Herman D et al. Truncations of titin causing dilated cardiomyopathy. N Eng J Med 366:619-628, 2012) The variant is found in CARDIOMYOPATHY panel(s).

NM_001267550.2(TTN):c.86903A>G (p.His28968Arg)

Genes: TTN (titin; minus strand), TTN-AS1 (TTN antisense RNA 1; plus strand). Cytogenetic location: 2q31.2.
Variant type: single nucleotide variant.
Coding change: c.86903A>G on transcript NM_001267550.2 (MANE Select); coding-DNA position 86903, A replaced by G.
Protein change: p.His28968Arg; replaces histidine 28968 with arginine.
Molecular consequence: missense variant.
Genome position (GRCh38, 1-based): chr2:178,558,556, T>C on the plus strand (A>G on the coding strand, the complement: TTN is on the minus strand). VCF-style: chr2-178558556-T-C. GRCh37 (hg19) VCF-style: chr2-179423283-T-C.
Other names: p.H27327R:CAT>CGT; c.81980A>G, p.His27327Arg (NM_001256850.1); c.59708A>G, p.His19903Arg (NM_003319.4); c.79199A>G, p.His26400Arg (NM_133378.4); c.60083A>G, p.His20028Arg (NM_133432.3); c.60284A>G, p.His20095Arg (NM_133437.4); short protein forms H27327R, H28968R, H19903R, H20095R, H26400R, H20028R.
Identifiers: ClinVar variation 202936 (VCV000202936.5), dbSNP rs754679595, ClinGen allele CA310738.
Genomic context (GRCh38, chr2:178,558,556, plus strand): 5'-TTTTTCTGTCCTTTTTCTAGTGCTTCAACGACATAGTGTACAATTCTGCTTCCGCCATCA[T>C]GTTCAGGCTTCAGCCAGGTCAGGGAAACACTGTCTTTGGATATACTTGTTACTCCAAGTT-3'
Protein context (NP_001254479.2, residues 28958-28978): SVSLTWLKPE[His28968Arg]DGGSRIVHYV